The following is an entry in ClinVar:

NM_031935.3(HMCN1):c.1856A>G (p.Lys619Arg)

Gene: HMCN1 (hemicentin 1; plus strand). Cytogenetic location: 1q31.1.
Variant type: single nucleotide variant.
Coding change: c.1856A>G on transcript NM_031935.3 (MANE Select); coding-DNA position 1856, A replaced by G.
Protein change: p.Lys619Arg; replaces lysine 619 with arginine.
Molecular consequence: missense variant.
Genome position (GRCh38, 1-based): chr1:185,962,545, A>G. VCF-style: chr1-185962545-A-G. GRCh37 (hg19) VCF-style: chr1-185931677-A-G.
Other names: short protein forms K619R.
Identifiers: ClinVar variation 1502539 (VCV001502539.6), dbSNP rs373160107, ClinGen allele CA33457149.

ClinVar aggregate classification (germline): Uncertain significance (1 of 4 stars; one submission).

Allele frequency attached by ClinVar (database versions not stated): TOPMed below 0.00001; ESP Exome Variant Server 0.00008.

Submission:

Labcorp Genetics (formerly Invitae), Labcorp
Classification: Uncertain significance. Last evaluated: 2021-11-30. Review status: criteria provided, single submitter. Criteria: Invitae Variant Classification Sherloc (09022015). Collection method: clinical testing. Allele origin: germline.
Comment: This sequence change replaces lysine, which is basic and polar, with arginine, which is basic and polar, at codon 619 of the HMCN1 protein (p.Lys619Arg). This variant is not present in population databases (gnomAD no frequency). This variant has not been reported in the literature in individuals affected with HMCN1-related conditions. Algorithms developed to predict the effect of missense changes on protein structure and function output the following: SIFT: "Tolerated"; PolyPhen-2: "Benign"; Align-GVGD: "Class C0". The arginine amino acid residue is found in multiple mammalian species, which suggests that this missense change does not adversely affect protein function. Algorithms developed to predict the effect of sequence changes on RNA splicing suggest that this variant may create or strengthen a splice site. In summary, the available evidence is currently insufficient to determine the role of this variant in disease. Therefore, it has been classified as a Variant of Uncertain Significance.